The following is an entry in ClinVar:

NM_004415.4(DSP):c.695G>T (p.Arg232Leu)

Gene: DSP (desmoplakin; plus strand). Cytogenetic location: 6p24.3.
Variant type: single nucleotide variant.
Coding change: c.695G>T on transcript NM_004415.4 (MANE Select); coding-DNA position 695, G replaced by T.
Protein change: p.Arg232Leu; replaces arginine 232 with leucine.
Molecular consequence: missense variant.
Genome position (GRCh38, 1-based): chr6:7,562,749, G>T. VCF-style: chr6-7562749-G-T. GRCh37 (hg19) VCF-style: chr6-7562982-G-T.
Other names: c.695G>T, p.Arg232Leu (NM_001008844.3, NM_001319034.2, NM_001406591.1); short protein forms R232L.
Identifiers: ClinVar variation 1756325 (VCV001756325.2), dbSNP rs749438581, ClinGen allele CA362673569.

ClinVar aggregate classification (germline): Uncertain significance (1 of 4 stars; one submission).

Conditions:
Cardiovascular phenotype. Identifiers: MedGen CN230736.

gnomAD v4.1: 1 of 1,614,090 alleles (0.000062%); highest among the groups gnomAD compares: Non-Finnish European, 0.000085%; no homozygotes.

Submission:

Ambry Genetics
Classification: Uncertain significance for Cardiovascular phenotype. Last evaluated: 2021-04-21. Review status: criteria provided, single submitter. Criteria: Ambry Variant Classification Scheme 2023. Collection method: clinical testing. Allele origin: germline.
Comment: The p.R232L variant (also known as c.695G>T), located in coding exon 5 of the DSP gene, results from a G to T substitution at nucleotide position 695. The arginine at codon 232 is replaced by leucine, an amino acid with dissimilar properties. This amino acid position is highly conserved in available vertebrate species. In addition, this alteration is predicted to be deleterious by in silico analysis. Since supporting evidence is limited at this time, the clinical significance of this alteration remains unclear.